The following is an entry in ClinVar:

ClinVar aggregate classification (germline): Uncertain significance. Review status: criteria provided, single submitter (1 of 4 stars). 2 submissions from 2 submitters: Uncertain significance (1). 1 of the submissions does not count toward it. Last evaluated 2025-11-06.

Conditions:
Polyglandular autoimmune syndrome, type 1 (APS1). Also called: PGA I; AUTOIMMUNE POLYENDOCRINE SYNDROME, TYPE I, WITH OR WITHOUT REVERSIBLE METAPHYSEAL DYSPLASIA; Autoimmune polyendocrine syndrome type 1; HYPOADRENOCORTICISM WITH HYPOPARATHYROIDISM AND SUPERFICIAL MONILIASIS; Autoimmune polyendocrinopathy syndrome, type I; APS I. Identifiers: Orphanet 3453, MedGen C0085859, MONDO:0009411, OMIM 240300.

Allele frequency attached by ClinVar (database versions not stated): TOPMed 0.00001.
gnomAD v4.1: 17 of 1,612,110 alleles (0.0011%); highest among the groups gnomAD compares: Non-Finnish European, 0.0014%; no homozygotes.

Submissions (2):

Labcorp Genetics (formerly Invitae), Labcorp
Classification: Uncertain significance for Polyglandular autoimmune syndrome, type 1. Last evaluated: 2025-11-06. Review status: criteria provided, single submitter. Criteria: Invitae Variant Classification Sherloc (09022015). Collection method: clinical testing. Allele origin: germline.
Comment: This sequence change replaces serine, which is neutral and polar, with arginine, which is basic and polar, at codon 521 of the AIRE protein (p.Ser521Arg). This variant is present in population databases (rs746873146, gnomAD 0.002%). This variant has not been reported in the literature in individuals affected with AIRE-related conditions. ClinVar contains an entry for this variant (Variation ID: 1039065). Invitae Evidence Modeling of protein sequence and biophysical properties (such as structural, functional, and spatial information, amino acid conservation, physicochemical variation, residue mobility, and thermodynamic stability) indicates that this missense variant is not expected to disrupt AIRE protein function with a negative predictive value of 95%. In summary, the available evidence is currently insufficient to determine the role of this variant in disease. Therefore, it has been classified as a Variant of Uncertain Significance.

Natera, Inc.
Classification: Uncertain significance for Polyglandular autoimmune syndrome type 1. Last evaluated: 2020-02-26. Review status: no assertion criteria provided. Collection method: clinical testing. Allele origin: germline. Not counted in ClinVar's aggregate classification.

NM_000383.4(AIRE):c.1563C>A (p.Ser521Arg)

Genes: AIRE (autoimmune regulator; plus strand), LOC130066813 (ATAC-STARR-seq lymphoblastoid silent region 13378; plus strand). Cytogenetic location: 21q22.3.
Variant type: single nucleotide variant.
Coding change: c.1563C>A on transcript NM_000383.4 (MANE Select); coding-DNA position 1563, C replaced by A.
Protein change: p.Ser521Arg; replaces serine 521 with arginine.
Molecular consequence: missense variant.
Genome position (GRCh38, 1-based): chr21:44,296,442, C>A. VCF-style: chr21-44296442-C-A. GRCh37 (hg19) VCF-style: chr21-45716325-C-A.
Other names: short protein forms S521R.
Identifiers: ClinVar variation 1039065 (VCV001039065.11), dbSNP rs746873146, ClinGen allele CA10052179.
Genomic context (GRCh38, chr21:44,296,442, plus strand): 5'-GGATGACACTGCCAGTCACGAGCCCGCTCTGCACAGGGATGACCTGGAGTCCCTTCTGAG[C>A]GAGGTAACGCCTCCCCTGGCCTCCTGGTGCTCCTCCACTCCCCCTCCCCTGCCTCAGCCG-3'
Protein context (NP_000374.1, residues 511-531): LHRDDLESLL[Ser521Arg]EHTFDGILQW